The following is an entry in ClinVar:

NM_152419.3(HGSNAT):c.1250+1G>A

Gene: HGSNAT (heparan-alpha-glucosaminide N-acetyltransferase; plus strand). Cytogenetic location: 8p11.21.
Variant type: single nucleotide variant.
Coding change: c.1250+1G>A on transcript NM_152419.3 (MANE Select); the canonical splice donor site of the intron after coding-DNA position 1250, G replaced by A.
Molecular consequence: splice donor variant.
Genome position (GRCh38, 1-based): chr8:43,191,596, G>A. VCF-style: chr8-43191596-G-A. GRCh37 (hg19) VCF-style: chr8-43046739-G-A.
Other names: c.1250+1G>A (NM_001363227.2); c.386+1G>A (NM_001363229.2); c.1058+1G>A (NM_001363228.2).
Identifiers: ClinVar variation 96500 (VCV000096500.34), dbSNP rs398124544, ClinGen allele CA224186.

ClinVar aggregate classification (germline): Pathogenic/Likely pathogenic. Review status: criteria provided, multiple submitters, no conflicts (2 of 4 stars). 13 submissions from 13 submitters: Pathogenic (12); Likely pathogenic (1). Last evaluated 2026-08-26.

Conditions:
HGSNAT-related disorder. Also called: HGSNAT-related condition.
Sanfilippo syndrome. Also called: Mucopolysaccharidosis Type III; Sanfilippo disease; Mucopolysaccharidosis type 3. Identifiers: Orphanet 581, MedGen C0026706, MONDO:0018937.
HGSNAT-related disorders.
Retinitis pigmentosa 73 (RP73). Identifiers: Orphanet 791, MedGen C4225287, MONDO:0014687, OMIM 616544.
Retinal dystrophy. Also called: Inherited retinal dystrophy. Identifiers: Orphanet 71862, MedGen C0854723, MeSH D058499, MONDO:0019118, HP:0000556.
Mucopolysaccharidosis, MPS-III-C (MPS3C). Also called: MUCOPOLYSACCHARIDOSIS, TYPE IIIC; MPS IIIC (Sanfilippo Syndrome Type C); SANFILIPPO SYNDROME C; MPS III C; Mucopolysaccharidosis type IIIC (Sanfilippo C); mucopolysaccharidosis type 3C. Identifiers: Orphanet 581, Orphanet 79271, MedGen C0086649, MONDO:0009657, OMIM 252930.

Allele frequency attached by ClinVar (database versions not stated): gnomAD exomes below 0.00001 and 0.00002; ExAC 0.00001; gnomAD 0.00001 and 0.00002; TOPMed 0.00002.
gnomAD v4.1: 39 of 1,613,654 alleles (0.0024%); highest among the groups gnomAD compares: Non-Finnish European, 0.0031%; no homozygotes.

Submissions (14):

PreventionGenetics, part of Exact Sciences
Classification: Pathogenic for HGSNAT-related condition. Last evaluated: 2026-08-26. Review status: criteria provided, single submitter. Criteria: ACMG Guidelines, 2015. Collection method: clinical testing. Allele origin: germline.
Comment: The HGSNAT c.1250+1G>A variant is predicted to disrupt the GT donor site and interfere with normal splicing. This variant has been reported in individuals with mucopolysaccharidosis IIIC or nonsyndromic retinopathy (referred to as c.1334+1G>A in Hrebicek et al. 2006. PubMed ID: 17033958; Schiff et al. 2020. PubMed ID: 32770643; Table S1, Lin et al. 2024. PubMed ID: 38219857). This variant is reported in 0.00078% of alleles in individuals of European (Non-Finnish) descent in gnomAD. Variants that disrupt the consensus splice donor site in HGSNAT are expected to be pathogenic. This variant is interpreted as pathogenic.

Labcorp Genetics (formerly Invitae), Labcorp
Classification: Pathogenic for Retinitis pigmentosa 73; Mucopolysaccharidosis, MPS-III-C. Last evaluated: 2025-12-20. Review status: criteria provided, single submitter. Criteria: Invitae Variant Classification Sherloc (09022015). Collection method: clinical testing. Allele origin: germline.
Comment: This sequence change affects a donor splice site in intron 12 of the HGSNAT gene. It is expected to disrupt RNA splicing. Variants that disrupt the donor or acceptor splice site typically lead to a loss of protein function (PMID: 16199547), and loss-of-function variants in HGSNAT are known to be pathogenic (PMID: 17033958, 19479962, 25859010). This variant is present in population databases (rs398124544, gnomAD 0.002%). Disruption of this splice site has been observed in individuals with autosomal recessive mucopolysaccharidosis type III (PMID: 17033958, 24767253). This variant is also known as c.1334+1G>A. ClinVar contains an entry for this variant (Variation ID: 96500). Algorithms developed to predict the effect of sequence changes on RNA splicing suggest that this variant may disrupt the consensus splice site. For these reasons, this variant has been classified as Pathogenic.

Natera, Inc.
Classification: Pathogenic for Mucopolysaccharidosis type IIIC. Last evaluated: 2025-10-30. Review status: criteria provided, single submitter. Criteria: Natera Variant Classification Schema (03/2026). Collection method: clinical testing. Allele origin: germline.
Comment: The c.1250+1G>A variant in HGSNAT is a canonical splice donor site variant predicted to affect pre-mRNA splicing, which may result in an abnormal transcript and altered protein product. This variant is expected to result in nonsense mediated decay, truncation, or a dysfunctional protein product. This variant is rare in the general population with a frequency below the threshold expected for the associated phenotype(s). This variant has been observed in one or more individuals affected with the associated recessive disease, as either homozygous or compound heterozygous with a second variant (PMID: 17033958). Given the available evidence, this variant is classified as Pathogenic.

Fulgent Genetics
Classification: Pathogenic for Mucopolysaccharidosis, MPS-III-C; Retinitis pigmentosa 73. Last evaluated: 2024-04-22. Review status: criteria provided, single submitter. Criteria: ACMG Guidelines, 2015. Collection method: clinical testing. Allele origin: germline.

Blueprint Genetics
Classification: Pathogenic for HGSNAT-related disorders. Last evaluated: 2022-09-20. Review status: criteria provided, single submitter. Criteria: ACMG Guidelines, 2015. Collection method: clinical testing. Allele origin: germline. Affected: yes. Observed: 5 variant alleles.

MGZ Medical Genetics Center
Classification: Pathogenic for Retinitis pigmentosa 73. Last evaluated: 2022-01-31. Review status: criteria provided, single submitter. Criteria: ACMG Guidelines, 2015. Collection method: clinical testing. Allele origin: germline. Affected: yes. Observed: 1 variant allele.
Comment: ACMG criteria applied: PVS1, PM2_SUP, PP3

GeneDx
Classification: Pathogenic. Last evaluated: 2021-12-21. Review status: criteria provided, single submitter. Criteria: GeneDx Variant Classification Process June 2021. Collection method: clinical testing. Allele origin: germline. Affected: yes.
Comment: Observed in a patient with features consistent with mucopolysaccharidosis 3C (MPS 3C) who harbored a second variant in published literature (Fernandez-Marmiesse et al., 2014); Reported with a benign variant, phase unknown, by whole exome sequencing in a patient with late onset retinitis pigmentosa in published literature (Schiff et al., 2020); Canonical splice site variant predicted to result in a null allele in a gene for which loss-of-function is a known mechanism of disease; Not observed at significant frequency in large population cohorts (gnomAD); This variant is associated with the following publications: (PMID: 25525159, 16199547, 33578874, 19479962, 32770643, 31228227, 17033958, 24767253)

Myriad Genetics, Inc.
Classification: Pathogenic for Mucopolysaccharidosis, MPS-III-C. Last evaluated: 2021-11-01. Review status: criteria provided, single submitter. Criteria: Myriad Women's Health Autosomal Recessive and X-Linked Classification Criteria (2021). Collection method: clinical testing. Allele origin: unknown.
Comment: NM_152419.2(HGSNAT):c.1250+1G>A is a canonical splice variant classified as pathogenic in the context of mucopolysaccharidosis type IIIC. c.1250+1G>A has been observed in cases with relevant disease (PMID: 31228227, 24767253). Functional assessments of this variant are not available in the literature. c.1250+1G>A has been observed in population frequency databases (gnomAD: OTH 0.01%). In summary, NM_152419.2(HGSNAT):c.1250+1G>A is a canonical splice variant in a gene where loss of function is a known mechanism of disease, is predicted to disrupt protein function, and has been observed more frequently in cases with the relevant disease than in healthy populations. Please note: this variant was assessed in the context of healthy population screening.

Institute of Human Genetics, Univ. Regensburg, Univ. Regensburg
Classification: Pathogenic for Retinal dystrophy. Last evaluated: 2020-01-01. Review status: criteria provided, single submitter. Criteria: ACMG Guidelines, 2015. Collection method: clinical testing. Allele origin: germline. Affected: yes.

Women's Health and Genetics/Laboratory Corporation of America, LabCorp
Classification: Pathogenic for Sanfilippo syndrome. Last evaluated: 2019-10-14. Review status: criteria provided, single submitter. Criteria: LabCorp Variant Classification Summary - May 2015. Collection method: clinical testing. Allele origin: germline.
Comment: Variant summary: HGSNAT c.1250+1G>A is located in a canonical splice-site and is predicted to affect mRNA splicing resulting in a significantly altered protein due to either exon skipping, shortening, or inclusion of intronic material. Several computational tools predict a significant impact on normal splicing: Five predict the variant abolishes a 5' splicing donor site. However, these predictions have yet to be confirmed by functional studies. The variant allele was found at a frequency of 4e-06 in 249078 control chromosomes (gnomAD). c.1250+1G>A has been reported in the literature in individuals affected with Mucopolysaccharidosis Type IIIC (Sanfilippo Syndrome C)(Feldhammer_2009, Fernandez-Marmiesse_2014, Hrebicek_2006, Martins_2019). These data indicate that the variant is likely to be associated with disease. To our knowledge, no experimental evidence demonstrating an impact on protein function has been reported. Three ClinVar submissions (evaluation after 2014) cite the variant twice as pathogenic and once as likely pathogenic. Based on the evidence outlined above, the variant was classified as pathogenic.

Illumina Laboratory Services, Illumina
Classification: Likely pathogenic for Mucopolysaccharidosis, MPS-III-C. Last evaluated: 2017-04-28. Review status: criteria provided, single submitter. Criteria: ICSL Variant Classification Criteria 09 May 2019. Collection method: clinical testing. Allele origin: germline.
Comment: The HGSNAT c.1250+1G>A variant occurs in a canonical splice site (donor) and is therefore predicted to disrupt or distort the normal gene product. The c.1250+1G>A variant has been reported in two studies and is found in a compound heterozygous state in two patients with mucopolysaccharidosis, type III, one of whom had another known pathogenic variant in trans (HrebÃ­cek et al. 2006; FernÃ¡ndez-Marmiesse et al. 2014). The c.1250+1G>A variant was absent from 200 control alleles and is reported at a frequency of 0.00001 in the European (non-Finnish) population from the Exome Aggregation Consortium but this is based on one allele in a region of good sequencing coverage so the variant is presumed to be rare. Based on the evidence and the potential impact of splice donor variants, the c.1250+1G>A variant is classified as likely pathogenic for mucopolysaccharidosis, type III. This variant was observed by ICSL as part of a predisposition screen in an ostensibly healthy population.

Eurofins Ntd Llc (ga)
Classification: Pathogenic. Last evaluated: 2013-06-18. Review status: criteria provided, single submitter. Criteria: EGL Classification Definitions 2015. Collection method: clinical testing. Allele origin: germline. Observed: 4 variant alleles, 4 heterozygotes.

Juno Genomics, Hangzhou Juno Genomics, Inc
Classification: Pathogenic for Mucopolysaccharidosis, MPS-III-C. Review status: criteria provided, single submitter. Criteria: ACMG Guidelines, 2015. Collection method: clinical testing. Allele origin: germline.
Comment: Absent from controls (or at extremely low frequency if recessive) in Genome Aggregation Database.;Null variant in a gene where loss of function (LOF) is a known mechanism of disease.;For recessive disorders, detected in trans with a pathogenic variant.;Patient's phenotype or family history is highly specific for a disease with a single genetic etiology.

Dr. Peter K. Rogan Lab, Western University
No classification provided (evidence only). Condition: Acute myeloid leukemia. Review status: no classification provided. Collection method: in vitro. Allele origin: not applicable. Functional consequence: retained intron. Not counted in ClinVar's aggregate classification.

Literature cited by the submitters: PubMed 16199547 (cited by Labcorp Genetics (formerly Invitae), Labcorp); PubMed 17033958 (cited by 5 submitters); PubMed 19479962 (cited by Labcorp Genetics (formerly Invitae), Labcorp and Women's Health and Genetics/Laboratory Corporation of America, LabCorp); PubMed 25859010 (cited by Labcorp Genetics (formerly Invitae), Labcorp); PubMed 24767253 (cited by 4 submitters); PubMed 31228227 (cited by Myriad Genetics, Inc. and Women's Health and Genetics/Laboratory Corporation of America, LabCorp); PubMed 25525159 (cited by Institute of Human Genetics, Univ. Regensburg, Univ. Regensburg); PubMed 31964843 (cited by Institute of Human Genetics, Univ. Regensburg, Univ. Regensburg); PubMed 32770643 (cited by Institute of Human Genetics, Univ. Regensburg, Univ. Regensburg).